The following is an entry in ClinVar:

NM_000245.4(MET):c.3201G>A (p.Gln1067=)

Gene: MET (MET proto-oncogene, receptor tyrosine kinase; plus strand). Cytogenetic location: 7q31.2.
Variant type: single nucleotide variant.
Coding change: c.3201G>A on transcript NM_000245.4 (MANE Select); coding-DNA position 3201, G replaced by A.
Protein change: p.Gln1067=; no amino-acid change (glutamine 1067 retained).
Molecular consequence: synonymous variant.
Genome position (GRCh38, 1-based): chr7:116,775,053, G>A. VCF-style: chr7-116775053-G-A. GRCh37 (hg19) VCF-style: chr7-116415107-G-A.
Other names: c.3255G>A (LRG_662t1); c.3255G>A, p.Gln1085= (NM_001127500.3); c.1911G>A, p.Gln637= (NM_001324402.2).
Identifiers: ClinVar variation 485763 (VCV000485763.15), dbSNP rs1447318689, ClinGen allele CA457218448.

ClinVar aggregate classification (germline): Benign/Likely benign. Review status: criteria provided, multiple submitters, no conflicts (2 of 4 stars). 3 submissions from 3 submitters: Benign (1); Likely benign (2). Last evaluated 2025-09-27.

Conditions:
Renal cell carcinoma. Identifiers: Orphanet 217071, MedGen C0007134, MeSH D002292, MONDO:0005086, HP:0005584.
Papillary renal cell carcinoma type 1 (RCCP1). Also called: RENAL CELL CARCINOMA, PAPILLARY, 1, SOMATIC; Renal adenocarcinoma; Renal cell carcinoma 1; Renal cell carcinoma, somatic. Identifiers: Orphanet 47044, MedGen C1336839, OMIM 605074, HP:0011797.
Hereditary cancer-predisposing syndrome. Also called: Tumor predisposition; Hereditary Cancer Syndrome; Hereditary neoplastic syndrome; Neoplastic Syndromes, Hereditary. Identifiers: Orphanet 140162, MedGen C0027672, MeSH D009386, MONDO:0015356.

Allele frequency attached by ClinVar (database versions not stated): gnomAD exomes below 0.00001; TOPMed below 0.00001.

Submissions (3):

Labcorp Genetics (formerly Invitae), Labcorp
Classification: Likely benign for Renal cell carcinoma. Last evaluated: 2025-09-27. Review status: criteria provided, single submitter. Criteria: Invitae Variant Classification Sherloc (09022015). Collection method: clinical testing. Allele origin: germline.

Myriad Genetics, Inc.
Classification: Benign for Papillary renal cell carcinoma type 1. Last evaluated: 2024-11-13. Review status: criteria provided, single submitter. Criteria: Myriad Autosomal Dominant, Autosomal Recessive and X-Linked Classification Criteria (2023). Collection method: clinical testing. Allele origin: unknown.
Comment: This variant is considered benign. This variant is a silent/synonymous amino acid change and it is not expected to impact splicing.

Ambry Genetics
Classification: Likely benign for Hereditary cancer-predisposing syndrome. Last evaluated: 2017-03-15. Review status: criteria provided, single submitter. Criteria: Ambry Variant Classification Scheme 2023. Collection method: clinical testing. Allele origin: germline.